The following is an entry in ClinVar:

ClinVar aggregate classification (germline): Likely pathogenic (1 of 4 stars; one submission).

Conditions:
Candidiasis, familial, 8 (CANDF8). Identifiers: Orphanet 1334, MedGen C3714992, MONDO:0014230, OMIM 615527.

Allele frequency attached by ClinVar (database versions not stated): gnomAD exomes below 0.00001.
gnomAD v4.1: 1 of 1,610,630 alleles (0.000062%); highest among the groups gnomAD compares: Admixed American, 0.0017%; no homozygotes.

Submission:

Labcorp Genetics (formerly Invitae), Labcorp
Classification: Likely pathogenic for Candidiasis, familial, 8. Last evaluated: 2023-03-04. Review status: criteria provided, single submitter. Criteria: Invitae Variant Classification Sherloc (09022015). Collection method: clinical testing. Allele origin: germline.
Comment: In summary, the currently available evidence indicates that the variant is pathogenic, but additional data are needed to prove that conclusively. Therefore, this variant has been classified as Likely Pathogenic. Algorithms developed to predict the effect of sequence changes on RNA splicing suggest that this variant may disrupt the consensus splice site. This variant has not been reported in the literature in individuals affected with TRAF3IP2-related conditions. This variant is present in population databases (no rsID available, gnomAD 0.003%). This sequence change affects a donor splice site in intron 4 of the TRAF3IP2 gene. It is expected to disrupt RNA splicing. Variants that disrupt the donor or acceptor splice site typically lead to a loss of protein function (PMID: 16199547), and loss-of-function variants in TRAF3IP2 are known to be pathogenic (PMID: 24120361).

Literature cited by the submitters: PubMed 16199547; PubMed 24120361.

NM_147686.4(TRAF3IP2):c.1201+2T>C

Genes: TRAF3IP2 (TRAF3 interacting protein 2; minus strand), TRAF3IP2-AS1 (TRAF3IP2 antisense RNA 1; plus strand). Cytogenetic location: 6q21.
Variant type: single nucleotide variant.
Coding change: c.1201+2T>C on transcript NM_147686.4 (MANE Select); the canonical splice donor site of the intron after coding-DNA position 1201, T replaced by C.
Molecular consequence: splice donor variant.
Genome position (GRCh38, 1-based): chr6:111,575,641, A>G on the plus strand (T>C on the coding strand, the complement: TRAF3IP2 is on the minus strand). VCF-style: chr6-111575641-A-G. GRCh37 (hg19) VCF-style: chr6-111896844-A-G.
Other names: c.1201+2T>C (NM_001164281.3); c.1228+2T>C (NM_147200.3).
Identifiers: ClinVar variation 2787870 (VCV002787870.3), dbSNP rs1321899075, ClinGen allele CA365362422.
Genomic context (GRCh38, chr6:111,575,641, plus strand): 5'-CCGTCTCAAAAAAAAAAAAAAAAAAAAAGAGGAAGGAGAGAACAATGTTGCAAACAACTT[A>G]CGCAATTCTTCTGGCAAATTGCTTGTTTTTAGAGTTCCTCTGGCTGGAGGGTTGCTAGGG-3'